The following is an entry in ClinVar:

ClinVar aggregate classification (germline): Conflicting classifications of pathogenicity. Review status: criteria provided, conflicting classifications (1 of 4 stars). 2 submissions from 2 submitters: Pathogenic (1); Uncertain significance (1). Last evaluated 2025-05-01.

Conditions:
Familial adenomatous polyposis 2. Also called: MUTYH-related attenuated familial adenomatous polyposis; MUTYH-associated polyposis; Adenomas, multiple colorectal; MUTYH Polyposis; COLORECTAL ADENOMATOUS POLYPOSIS, AUTOSOMAL RECESSIVE; ADENOMAS, MULTIPLE COLORECTAL, AUTOSOMAL RECESSIVE. Identifiers: Orphanet 220460, Orphanet 247798, MedGen C3272841, MONDO:0012041, OMIM 608456.
Hereditary cancer-predisposing syndrome. Also called: Tumor predisposition; Neoplastic Syndromes, Hereditary; Hereditary neoplastic syndrome; Hereditary Cancer Syndrome. Identifiers: Orphanet 140162, MedGen C0027672, MeSH D009386, MONDO:0015356.

Submissions (2):

Ambry Genetics
Classification: Uncertain significance for Hereditary cancer-predisposing syndrome. Last evaluated: 2025-05-01. Review status: criteria provided, single submitter. Criteria: Ambry Variant Classification Scheme 2023. Collection method: clinical testing. Allele origin: germline.
Comment: The c.1_7dupATGACAC variant, located in coding exon 1 of the MUTYH gene, results from a duplication of ATGACAC at nucleotide position 1, causing a translational frameshift with a predicted alternate stop codon (p.P3Hfs*41). However, this region of the MUTYH gene is excluded from other biologically relevant MUTYH transcripts. Based on the available evidence, the clinical significance of this alteration remains unclear.

Labcorp Genetics (formerly Invitae), Labcorp
Classification: Pathogenic for Familial adenomatous polyposis 2. Last evaluated: 2024-02-26. Review status: criteria provided, single submitter. Criteria: Invitae Variant Classification Sherloc (09022015). Collection method: clinical testing. Allele origin: germline.
Comment: This sequence change creates a premature translational stop signal (p.Pro3Hisfs*41) in the MUTYH gene. It is expected to result in an absent or disrupted protein product. Loss-of-function variants in MUTYH are known to be pathogenic (PMID: 18534194, 20663686). This variant is not present in population databases (gnomAD no frequency). This variant has not been reported in the literature in individuals affected with MUTYH-related conditions. ClinVar contains an entry for this variant (Variation ID: 959701). For these reasons, this variant has been classified as Pathogenic.

Literature cited by the submitters: PubMed 18534194 (cited by Labcorp Genetics (formerly Invitae), Labcorp); PubMed 20663686 (cited by Labcorp Genetics (formerly Invitae), Labcorp).

NM_001128425.2(MUTYH):c.1_7dup (p.Pro3fs)

Genes: MUTYH (mutY DNA glycosylase; minus strand), TOE1 (target of EGR1, exonuclease; plus strand). Cytogenetic location: 1p34.1.
Variant type: Duplication.
Coding change: c.1_7dup on transcript NM_001128425.2 (MANE Plus Clinical); coding-DNA positions 1 to 7, 7 bases duplicated (ATGACAC; older notation c.1_7dupATGACAC).
Protein change: p.Pro3fs; shifts the reading frame from proline 3.
Molecular consequence: frameshift variant, initiator codon variant. On other transcripts: 5 prime UTR variant (7), non-coding transcript variant (3).
Genome position (GRCh38, 1-based): chr1:45,340,248-45,340,254, GTGTCAT duplicated on the plus strand (ATGACAC on the coding strand, the reverse complement: MUTYH is on the minus strand); duplicating any 7 consecutive bases within chr1:45,340,248-45,340,255 gives the same sequence; the c. name uses the placement nearest the transcript's 3' end. VCF-style (leftmost placement, unchanged base first): chr1-45340247-G-GGTGTCAT. GRCh37 (hg19) VCF-style: chr1-45805919-G-GGTGTCAT.
Other names: c.1_7dup (NM_001128425.1); c.1_7dupATGACAC (NM_001128425.1); c.-4_3dup, p.Ala2fs (NM_025077.4); c.-42_-36dup (NM_001048171.2); c.1_7dup, p.Pro3fs (NM_001293190.2, NM_001407069.1, NM_001407073.1 and 1 more transcripts); c.-254_-248dup (NM_001293192.2); c.-313_-307dup (NM_001350650.2); c.-249_-243dup (NM_001350651.2); and 2 more; short protein forms P3fs, A2fs.
Identifiers: ClinVar variation 959701 (VCV000959701.11), dbSNP rs1646822375, ClinGen allele CA1139656110.